The following is an entry in ClinVar:

NM_001165963.4(SCN1A):c.5494G>T (p.Ala1832Ser)

Genes: SCN1A (sodium voltage-gated channel alpha subunit 1; minus strand), LOC102724058 (uncharacterized LOC102724058; plus strand). Cytogenetic location: 2q24.3.
Variant type: single nucleotide variant.
Coding change: c.5494G>T on transcript NM_001165963.4 (MANE Select); coding-DNA position 5494, G replaced by T.
Protein change: p.Ala1832Ser; replaces alanine 1832 with serine.
Molecular consequence: missense variant. On other transcripts: non-coding transcript variant (1).
Genome position (GRCh38, 1-based): chr2:165,991,781, C>A on the plus strand (G>T on the coding strand, the complement: SCN1A is on the minus strand). VCF-style: chr2-165991781-C-A. GRCh37 (hg19) VCF-style: chr2-166848291-C-A.
Other names: c.5410G>T, p.Ala1804Ser (NM_001165964.3, NM_001353957.2, NM_001353958.2); c.5494G>T, p.Ala1832Ser (NM_001202435.3, NM_001353948.2); c.5461G>T, p.Ala1821Ser (NM_001353949.2, NM_001353950.2, NM_001353951.2 and 2 more transcripts); c.5458G>T, p.Ala1820Ser (NM_001353954.2, NM_001353955.2); c.5407G>T, p.Ala1803Ser (NM_001353960.2); c.3052G>T, p.Ala1018Ser (NM_001353961.2); short protein forms A1018S, A1820S, A1803S, A1832S, A1821S, A1804S.
Identifiers: ClinVar variation 1481676 (VCV001481676.9), dbSNP rs2105427084, ClinGen allele CA349065763.

ClinVar aggregate classification (germline): Uncertain significance (1 of 4 stars; one submission).

Conditions:
Early-infantile DEE. Also called: Ohtahara syndrome; Early infantile epileptic encephalopathy; Early infantile epileptic encephalopathy with suppression bursts. Identifiers: Orphanet 1934, MedGen C0393706, MONDO:0800491.

Submission:

Labcorp Genetics (formerly Invitae), Labcorp
Classification: Uncertain significance for Early-infantile DEE. Last evaluated: 2022-09-27. Review status: criteria provided, single submitter. Criteria: Invitae Variant Classification Sherloc (09022015). Collection method: clinical testing. Allele origin: germline.
Comment: This variant disrupts the p.Ala1832 amino acid residue in SCN1A. Other variant(s) that disrupt this residue have been observed in individuals with SCN1A-related conditions (PMID: 21248271), which suggests that this may be a clinically significant amino acid residue. In summary, the available evidence is currently insufficient to determine the role of this variant in disease. Therefore, it has been classified as a Variant of Uncertain Significance. Advanced modeling of protein sequence and biophysical properties (such as structural, functional, and spatial information, amino acid conservation, physicochemical variation, residue mobility, and thermodynamic stability) performed at Invitae indicates that this missense variant is expected to disrupt SCN1A protein function. This sequence change replaces alanine, which is neutral and non-polar, with serine, which is neutral and polar, at codon 1832 of the SCN1A protein (p.Ala1832Ser). This variant is not present in population databases (gnomAD no frequency). This missense change has been observed in individual(s) with SCN1A-related conditions (Invitae). ClinVar contains an entry for this variant (Variation ID: 1481676).

Literature cited by the submitters: PubMed 21248271.